The following is an entry in ClinVar:

ClinVar aggregate classification (germline): Uncertain significance (1 of 4 stars; one submission).

Conditions:
Intellectual developmental disorder, autosomal dominant 45. Also called: MENTAL RETARDATION, AUTOSOMAL DOMINANT 45; Intellectual disability, autosomal dominant 45. Identifiers: MedGen C4539848, MONDO:0030910, OMIM 617600.

Submission:

Baylor Genetics
Classification: Uncertain significance for Intellectual developmental disorder, autosomal dominant 45. Last evaluated: 2019-11-20. Review status: criteria provided, single submitter. Criteria: ACMG Guidelines, 2015. Collection method: clinical testing. Allele origin: unknown. Affected: yes.
Comment: This variant was determined to be of uncertain significance according to ACMG Guidelines, 2015 [PMID:25741868].

NM_001386298.1(CIC):c.6747G>A (p.Lys2249=)

Gene: CIC (capicua transcriptional repressor; plus strand). Cytogenetic location: 19q13.2.
Variant type: single nucleotide variant.
Coding change: c.6747G>A on transcript NM_001386298.1 (MANE Select); coding-DNA position 6747, G replaced by A.
Protein change: p.Lys2249=; no amino-acid change (lysine 2249 retained).
Molecular consequence: synonymous variant.
Genome position (GRCh38, 1-based): chr19:42,293,816, G>A. VCF-style: chr19-42293816-G-A. GRCh37 (hg19) VCF-style: chr19-42797968-G-A.
Other names: c.4020G>A, p.Lys1340= (NM_015125.5, NM_001379484.1, NM_001379485.1); c.6744G>A, p.Lys2248= (NM_001379480.1); c.6747G>A, p.Lys2249= (NM_001379482.1, NM_001304815.2).
Identifiers: ClinVar variation 1030470 (VCV001030470.1), dbSNP rs2038327689, ClinGen allele CA507705572.